The following is an entry in ClinVar:

ClinVar aggregate classification (germline): Uncertain significance. Review status: criteria provided, multiple submitters, no conflicts (2 of 4 stars). 2 submissions from 2 submitters: Uncertain significance (2). Last evaluated 2024-12-02.

Conditions:
MAGEL2-related disorder. Also called: MAGEL2-related condition.

gnomAD v4.1: 6 of 1,613,934 alleles (0.00037%); highest among the groups gnomAD compares: South Asian, 0.0066%; no homozygotes.

Submissions (2):

PreventionGenetics, part of Exact Sciences
Classification: Uncertain significance for MAGEL2-related condition. Last evaluated: 2024-12-02. Review status: criteria provided, single submitter. Criteria: ACMG Guidelines, 2015. Collection method: clinical testing. Allele origin: germline.
Comment: The MAGEL2 c.2677G>A variant is predicted to result in the amino acid substitution p.Glu893Lys. To our knowledge, this variant has not been reported in the literature. This variant is reported in 0.0098% of alleles in individuals of South Asian descent in gnomAD. At this time, the clinical significance of this variant is uncertain due to the absence of conclusive functional and genetic evidence.

Labcorp Genetics (formerly Invitae), Labcorp
Classification: Uncertain significance. Last evaluated: 2024-08-21. Review status: criteria provided, single submitter. Criteria: Invitae Variant Classification Sherloc (09022015). Collection method: clinical testing. Allele origin: germline.
Comment: This sequence change replaces glutamic acid, which is acidic and polar, with lysine, which is basic and polar, at codon 893 of the MAGEL2 protein (p.Glu893Lys). This variant is present in population databases (rs757223336, gnomAD 0.01%). This variant has not been reported in the literature in individuals affected with MAGEL2-related conditions. Invitae Evidence Modeling of protein sequence and biophysical properties (such as structural, functional, and spatial information, amino acid conservation, physicochemical variation, residue mobility, and thermodynamic stability) indicates that this missense variant is not expected to disrupt MAGEL2 protein function with a negative predictive value of 80%. In summary, the available evidence is currently insufficient to determine the role of this variant in disease. Therefore, it has been classified as a Variant of Uncertain Significance.

NM_019066.5(MAGEL2):c.2677G>A (p.Glu893Lys)

Gene: MAGEL2 (MAGE family member L2; minus strand). Cytogenetic location: 15q11.2.
Variant type: single nucleotide variant.
Coding change: c.2677G>A on transcript NM_019066.5 (MANE Select); coding-DNA position 2677, G replaced by A.
Protein change: p.Glu893Lys; replaces glutamic acid 893 with lysine.
Molecular consequence: missense variant.
Genome position (GRCh38, 1-based): chr15:23,645,066, C>T on the plus strand (G>A on the coding strand, the complement: MAGEL2 is on the minus strand). VCF-style: chr15-23645066-C-T. GRCh37 (hg19) VCF-style: chr15-23890213-C-T.
Other names: c.2677G>A (NM_019066.4); short protein forms E893K.
Identifiers: ClinVar variation 3618231 (VCV003618231.3).